The following is an entry in ClinVar:

NM_012464.5(TLL1):c.458C>T (p.Thr153Met)

Gene: TLL1 (tolloid like 1; plus strand). Cytogenetic location: 4q32.3.
Variant type: single nucleotide variant.
Coding change: c.458C>T on transcript NM_012464.5 (MANE Select); coding-DNA position 458, C replaced by T.
Protein change: p.Thr153Met; replaces threonine 153 with methionine.
Molecular consequence: missense variant.
Genome position (GRCh38, 1-based): chr4:165,994,477, C>T. VCF-style: chr4-165994477-C-T. GRCh37 (hg19) VCF-style: chr4-166915629-C-T.
Other names: c.458C>T, p.Thr153Met (NM_001204760.2); short protein forms T153M.
Identifiers: ClinVar variation 4086028 (VCV004086028.9).

ClinVar aggregate classification (germline): Likely benign. Review status: criteria provided, multiple submitters, no conflicts (2 of 4 stars). 2 submissions from 2 submitters: Likely benign (2). Last evaluated 2025-06-01.

gnomAD v4.1: 360 of 1,613,972 alleles (0.022%); highest among the groups gnomAD compares: East Asian, 0.68%; 3 homozygotes.

Submissions (2):

CeGaT Center for Human Genetics Tuebingen
Classification: Likely benign. Last evaluated: 2025-06-01. Review status: criteria provided, single submitter. Criteria: CeGaT Center For Human Genetics Tuebingen Variant Classification Criteria Version 2. Collection method: clinical testing. Allele origin: germline. Affected: yes. Observed: 1 variant allele.
Comment: TLL1: BP4, BS1

Blueprint Genetics
Classification: Likely benign. Last evaluated: 2024-06-19. Review status: criteria provided, single submitter. Criteria: ACMG Guidelines, 2015. Collection method: clinical testing. Allele origin: germline.